The following is an entry in ClinVar:

ClinVar aggregate classification (germline): Uncertain significance (1 of 4 stars; one submission).

Conditions:
Cardiovascular phenotype. Identifiers: MedGen CN230736.

Submission:

Ambry Genetics
Classification: Uncertain significance for Cardiovascular phenotype. Last evaluated: 2024-10-22. Review status: criteria provided, single submitter. Criteria: Ambry Variant Classification Scheme 2023. Collection method: clinical testing. Allele origin: germline.
Comment: The p.E1148Q variant (also known as c.3442G>C), located in coding exon 9 of the AKAP9 gene, results from a G to C substitution at nucleotide position 3442. The glutamic acid at codon 1148 is replaced by glutamine, an amino acid with highly similar properties. This amino acid position is conserved. In addition, this alteration is predicted to be tolerated by in silico analysis. Based on the available evidence, the clinical significance of this variant remains unclear.

NM_005751.5(AKAP9):c.3442G>C (p.Glu1148Gln)

Gene: AKAP9 (A-kinase anchoring protein 9; plus strand). Cytogenetic location: 7q21.2.
Variant type: single nucleotide variant.
Coding change: c.3442G>C on transcript NM_005751.5 (MANE Select); coding-DNA position 3442, G replaced by C.
Protein change: p.Glu1148Gln; replaces glutamic acid 1148 with glutamine.
Molecular consequence: missense variant.
Genome position (GRCh38, 1-based): chr7:92,012,552, G>C. VCF-style: chr7-92012552-G-C. GRCh37 (hg19) VCF-style: chr7-91641866-G-C.
Other names: c.3442G>C, p.Glu1148Gln (NM_147185.3); short protein forms E1148Q.
Identifiers: ClinVar variation 3516937 (VCV003516937.1).